The following is an entry in ClinVar:

ClinVar aggregate classification (germline): Uncertain significance. Review status: criteria provided, multiple submitters, no conflicts (2 of 4 stars). 3 submissions from 3 submitters: Uncertain significance (3). Last evaluated 2025-06-17.

Conditions:
Marfan syndrome (MFS). Also called: FBN1-Related Marfan Syndrome; MARFAN SYNDROME, TYPE I; Marfan syndrome type 1; Marfan's syndrome; Marfan syndrome, classic. Identifiers: Orphanet 284963, Orphanet 558, MedGen C0024796, MONDO:0007947, OMIM 154700.
Familial thoracic aortic aneurysm and aortic dissection (TAAD). Also called: Thoracic aortic aneurysms and dissections. Identifiers: Orphanet 91387, MedGen C4707243, MONDO:0019625.

Allele frequency attached by ClinVar (database versions not stated): gnomAD exomes below 0.00001.
gnomAD v4.1: 1 of 1,614,072 alleles (0.000062%); highest among the groups gnomAD compares: Non-Finnish European, 0.000085%; no homozygotes.

Submissions (3):

Color Diagnostics, LLC DBA Color Health
Classification: Uncertain significance for Familial thoracic aortic aneurysm and aortic dissection. Last evaluated: 2025-06-17. Review status: criteria provided, single submitter. Criteria: ACMG Guidelines, 2015. Collection method: clinical testing. Allele origin: germline.
Comment: This missense variant replaces glycine with serine at codon 2587 of the FBN1 protein. Computational prediction is inconclusive regarding the impact of this variant on protein structure and function. To our knowledge, functional studies have not been reported for this variant. This variant has not been reported in individuals affected with FBN1-related disorders in the literature. This variant has not been identified in the general population by the Genome Aggregation Database (gnomAD). The available evidence is insufficient to determine the role of this variant in disease conclusively. Therefore, this variant is classified as a Variant of Uncertain Significance.

Labcorp Genetics (formerly Invitae), Labcorp
Classification: Uncertain significance for Marfan syndrome; Familial thoracic aortic aneurysm and aortic dissection. Last evaluated: 2024-08-28. Review status: criteria provided, single submitter. Criteria: Invitae Variant Classification Sherloc (09022015). Collection method: clinical testing. Allele origin: germline.
Comment: This sequence change replaces glycine, which is neutral and non-polar, with serine, which is neutral and polar, at codon 2587 of the FBN1 protein (p.Gly2587Ser). This variant is not present in population databases (gnomAD no frequency). This variant has not been reported in the literature in individuals affected with FBN1-related conditions. ClinVar contains an entry for this variant (Variation ID: 993575). Invitae Evidence Modeling of protein sequence and biophysical properties (such as structural, functional, and spatial information, amino acid conservation, physicochemical variation, residue mobility, and thermodynamic stability) indicates that this missense variant is expected to disrupt FBN1 protein function with a positive predictive value of 80%. In summary, the available evidence is currently insufficient to determine the role of this variant in disease. Therefore, it has been classified as a Variant of Uncertain Significance.

ARUP Laboratories, Molecular Genetics and Genomics, ARUP Laboratories
Classification: Uncertain significance. Last evaluated: 2020-07-24. Review status: criteria provided, single submitter. Criteria: ARUP Molecular Germline Variant Investigation Process. Collection method: clinical testing. Allele origin: germline.
Comment: The FBN1 c.7759G>A; p.Gly2587Ser variant, to our knowledge, is not reported in the medical literature or gene-specific databases. This variant is also absent from general population databases (Exome Variant Server, Genome Aggregation Database), indicating it is not a common polymorphism. The glycine at codon 2587 is moderately conserved, and computational analyses (SIFT: tolerated, PolyPhen-2: damaging) predict conflicting effects of this variant on protein structure/function. However, due to limited information, the clinical significance of the p.Gly2587Ser variant is uncertain at this time.

NM_000138.5(FBN1):c.7759G>A (p.Gly2587Ser)

Gene: FBN1 (fibrillin 1; minus strand). Cytogenetic location: 15q21.1.
Variant type: single nucleotide variant.
Coding change: c.7759G>A on transcript NM_000138.5 (MANE Select); coding-DNA position 7759, G replaced by A.
Protein change: p.Gly2587Ser; replaces glycine 2587 with serine.
Molecular consequence: missense variant.
Genome position (GRCh38, 1-based): chr15:48,420,747, C>T on the plus strand (G>A on the coding strand, the complement: FBN1 is on the minus strand). VCF-style: chr15-48420747-C-T. GRCh37 (hg19) VCF-style: chr15-48712944-C-T.
Other names: short protein forms G2587S.
Identifiers: ClinVar variation 993575 (VCV000993575.11), dbSNP rs2042934369, ClinGen allele CA392324680.